The following is an entry in ClinVar:

ClinVar aggregate classification (germline): Uncertain significance (1 of 4 stars; one submission).

Conditions:
Inborn genetic diseases. Identifiers: MedGen C0950123, MeSH D030342.

gnomAD v4.1: 1 of 1,613,892 alleles (0.000062%); highest among the groups gnomAD compares: South Asian, 0.0011%; no homozygotes.

Submission:

Ambry Genetics
Classification: Uncertain significance for Inborn genetic diseases. Last evaluated: 2026-01-19. Review status: criteria provided, single submitter. Criteria: Ambry Variant Classification Scheme 2023. Collection method: clinical testing. Allele origin: germline.
Comment: The p.Y1127C variant (also known as c.3380A>G), located in coding exon 1 of the SAMD9 gene, results from an A to G substitution at nucleotide position 3380. The tyrosine at codon 1127 is replaced by cysteine, an amino acid with highly dissimilar properties. This amino acid position is conserved. In addition, the in silico prediction for this alteration is inconclusive. Based on the available evidence, the clinical significance of this variant remains unclear.

NM_017654.4(SAMD9):c.3380A>G (p.Tyr1127Cys)

Gene: SAMD9 (sterile alpha motif domain containing 9; minus strand). Cytogenetic location: 7q21.2.
Variant type: single nucleotide variant.
Coding change: c.3380A>G on transcript NM_017654.4 (MANE Select); coding-DNA position 3380, A replaced by G.
Protein change: p.Tyr1127Cys; replaces tyrosine 1127 with cysteine.
Molecular consequence: missense variant.
Genome position (GRCh38, 1-based): chr7:93,102,718, T>C on the plus strand (A>G on the coding strand, the complement: SAMD9 is on the minus strand). VCF-style: chr7-93102718-T-C. GRCh37 (hg19) VCF-style: chr7-92732031-T-C.
Other names: c.3380A>G, p.Tyr1127Cys (NM_001193307.2); short protein forms Y1127C.
Identifiers: ClinVar variation 4824677 (VCV004824677.1).
Genomic context (GRCh38, chr7:93,102,718, plus strand): 5'-TCAACTGAAATGTTCCCGTTTCCTCCGTTTTCCTCTATCCACCATCTTATTTTACTTTTG[T>C]AGACTTGACCCAGTGTATCTGAGATATAAGAATTGTCAGGTTCTATGATTTTTGCTTGTT-3'
Protein context (NP_060124.2, residues 1117-1137): SYISDTLGQV[Tyr1127Cys]KSKIRWWIEE